The following is an entry in ClinVar:

NM_012424.6(RPS6KC1):c.1823G>C (p.Ser608Thr)

Gene: RPS6KC1 (ribosomal protein S6 kinase C1; plus strand). Cytogenetic location: 1q32.3.
Variant type: single nucleotide variant.
Coding change: c.1823G>C on transcript NM_012424.6 (MANE Select); coding-DNA position 1823, G replaced by C.
Protein change: p.Ser608Thr; replaces serine 608 with threonine.
Molecular consequence: missense variant. On other transcripts: non-coding transcript variant (4).
Genome position (GRCh38, 1-based): chr1:213,241,299, G>C. VCF-style: chr1-213241299-G-C. GRCh37 (hg19) VCF-style: chr1-213414642-G-C.
Other names: c.1787G>C, p.Ser596Thr (NM_001136138.4); c.1187G>C, p.Ser396Thr (NM_001287218.3, NM_001287219.3, NM_001349654.2); c.428G>C, p.Ser143Thr (NM_001287220.3, NM_001349663.2, NM_001349664.2 and 8 more transcripts); c.1280G>C, p.Ser427Thr (NM_001287221.3, NM_001349648.2, NM_001349649.2 and 4 more transcripts); c.1730G>C, p.Ser577Thr (NM_001349646.2); c.1460G>C, p.Ser487Thr (NM_001349647.2); c.932G>C, p.Ser311Thr (NM_001349657.2, NM_001349658.2); c.767G>C, p.Ser256Thr (NM_001349659.2, NM_001349660.2, NM_001349661.2 and 1 more transcripts); short protein forms S143T, S256T, S311T, S396T, S427T, S487T, S577T, S596T.
Identifiers: ClinVar variation 4809024 (VCV004809024.1).
Genomic context (GRCh38, chr1:213,241,299, plus strand): 5'-ATTCCCTCAGTAGATCAAAAAATAGCCCCATGGAATTCTTTAGGATAGACAGTAAGGATA[G>C]CGCAAGTGAACTCCTGGGACTTGACTTTGGAGAAAAATTGTATAGTCTAAAATCAGAACC-3'
Protein context (NP_036556.2, residues 598-618): MEFFRIDSKD[Ser608Thr]ASELLGLDFG

ClinVar aggregate classification (germline): Uncertain significance (1 of 4 stars; one submission).

gnomAD v4.1: 1 of 1,613,994 alleles (0.000062%); highest among the groups gnomAD compares: Middle Eastern, 0.017%; no homozygotes.

Submission:

Labcorp Genetics (formerly Invitae), Labcorp
Classification: Uncertain significance. Last evaluated: 2025-05-19. Review status: criteria provided, single submitter. Criteria: Invitae Variant Classification Sherloc (09022015). Collection method: clinical testing. Allele origin: germline.
Comment: This sequence change replaces serine, which is neutral and polar, with threonine, which is neutral and polar, at codon 608 of the RPS6KC1 protein (p.Ser608Thr). This variant is not present in population databases (gnomAD no frequency). This variant has not been reported in the literature in individuals affected with RPS6KC1-related conditions. An algorithm developed to predict the effect of missense changes on protein structure and function (PolyPhen-2) suggests that this variant is likely to be disruptive. In summary, the available evidence is currently insufficient to determine the role of this variant in disease. Therefore, it has been classified as a Variant of Uncertain Significance.